The following is an entry in ClinVar:

ClinVar aggregate classification (germline): Uncertain significance. Review status: criteria provided, multiple submitters, no conflicts (2 of 4 stars). 2 submissions from 2 submitters: Uncertain significance (2). Last evaluated 2023-10-20.

Conditions:
Werner syndrome (WRN). Identifiers: Orphanet 902, MedGen C0043119, MONDO:0010196, OMIM 277700.

Allele frequency attached by ClinVar (database versions not stated): gnomAD 0.00001; gnomAD exomes 0.00001; TOPMed 0.00001.
gnomAD v4.1: 6 of 1,613,952 alleles (0.00037%); highest among the groups gnomAD compares: Non-Finnish European, 0.00042%; no homozygotes.

Submissions (2):

Revvity Omics, Revvity
Classification: Uncertain significance for Werner syndrome. Last evaluated: 2023-10-20. Review status: criteria provided, single submitter. Criteria: ACMG Guidelines, 2015. Collection method: clinical testing. Allele origin: germline.

Labcorp Genetics (formerly Invitae), Labcorp
Classification: Uncertain significance for Werner syndrome. Last evaluated: 2019-07-31. Review status: criteria provided, single submitter. Criteria: Invitae Variant Classification Sherloc (09022015). Collection method: clinical testing. Allele origin: germline.
Comment: This sequence change replaces glutamic acid with alanine at codon 375 of the WRN protein (p.Glu375Ala). The glutamic acid residue is moderately conserved and there is a moderate physicochemical difference between glutamic acid and alanine. This variant is not present in population databases (ExAC no frequency) and has not been reported in the literature in individuals with a WRN-related disease. ClinVar contains an entry for this variant (Variation ID: 458377). Algorithms developed to predict the effect of missense changes on protein structure and function (SIFT, PolyPhen-2, Align-GVGD) all suggest that this variant is likely to be tolerated, but these predictions have not been confirmed by published functional studies. In summary, the available evidence is currently insufficient to determine the role of this variant in disease. Therefore, it has been classified as a Variant of Uncertain Significance.

NM_000553.6(WRN):c.1124A>C (p.Glu375Ala)

Gene: WRN (WRN RecQ like helicase; plus strand). Cytogenetic location: 8p12.
Variant type: single nucleotide variant.
Coding change: c.1124A>C on transcript NM_000553.6 (MANE Select); coding-DNA position 1124, A replaced by C.
Protein change: p.Glu375Ala; replaces glutamic acid 375 with alanine.
Molecular consequence: missense variant.
Genome position (GRCh38, 1-based): chr8:31,081,151, A>C. VCF-style: chr8-31081151-A-C. GRCh37 (hg19) VCF-style: chr8-30938667-A-C.
Other names: short protein forms E375A.
Identifiers: ClinVar variation 458377 (VCV000458377.4), dbSNP rs975111123, ClinGen allele CA174858700.
Genomic context (GRCh38, chr8:31,081,151, plus strand): 5'-CTAAACATGATGGAGAAGATGTACTTGGAAATAAAGTGGAACGAAAAGAAGATGGATTTG[A>C]AGATGGAGTAGAAGACAACAAATTGAAAGAGAATATGGAAAGAGCTTGTTTGATGTCGTT-3'
Protein context (NP_000544.2, residues 365-385): NKVERKEDGF[Glu375Ala]DGVEDNKLKE